The following is an entry in ClinVar:

NM_022481.6(ARAP3):c.2806C>T (p.Arg936Trp)

Gene: ARAP3 (ArfGAP with RhoGAP domain, ankyrin repeat and PH domain 3; minus strand). Cytogenetic location: 5q31.3.
Variant type: single nucleotide variant.
Coding change: c.2806C>T on transcript NM_022481.6 (MANE Select); coding-DNA position 2806, C replaced by T.
Protein change: p.Arg936Trp; replaces arginine 936 with tryptophan.
Molecular consequence: missense variant.
Genome position (GRCh38, 1-based): chr5:141,662,250, G>A on the plus strand (C>T on the coding strand, the complement: ARAP3 is on the minus strand). VCF-style: chr5-141662250-G-A. GRCh37 (hg19) VCF-style: chr5-141041817-G-A.
Other names: short protein forms R936W.
Identifiers: ClinVar variation 161761 (VCV000161761.2), dbSNP rs145752053, ClinGen allele CA174736.
Genomic context (GRCh38, chr5:141,662,250, plus strand): 5'-CAGCCAGGAGTCTCAGGCTGCGGGCACGAGCGCCCCCTTTCCGGTATACACCTTCCAGCC[G>A]GAGCCCTGAGGAGAGCCAGCCGTCTCTGCTCACCATGGTGCAAAGGCTACCACCACCCAC-3'
Protein context (NP_071926.4, residues 926-946): CISFVTQHGL[Arg936Trp]LEGVYRKGGA

ClinVar aggregate classification (germline): Uncertain significance (0 of 4 stars; one submission).

Conditions:
Prostate cancer. Also called: Malignant tumor of prostate. Identifiers: Orphanet 1331, MedGen C0376358, MONDO:0008315, HP:0012125.

Allele frequency attached by ClinVar (database versions not stated): gnomAD exomes 0.00001 and below 0.00001; ESP Exome Variant Server 0.00008; gnomAD 0.00004 and 0.00003; TOPMed 0.00002; ExAC 0.00001.
gnomAD v4.1: 10 of 1,613,766 alleles (0.00062%); highest among the groups gnomAD compares: Admixed American, 0.0017%; no homozygotes.

Submission:

Science for Life laboratory,  Karolinska Institutet
Classification: Uncertain significance for Malignant tumor of prostate. Review status: no assertion criteria provided. Collection method: not provided. Allele origin: somatic.
Comment: TumorID:SWE-14
ClinVar note: Converted during submission from Unknown to Uncertain significance.